The following is an entry in ClinVar:

ClinVar aggregate classification (germline): Pathogenic (1 of 4 stars; one submission).

Submission:

Labcorp Genetics (formerly Invitae), Labcorp
Classification: Pathogenic. Last evaluated: 2024-10-29. Review status: criteria provided, single submitter. Criteria: Invitae Variant Classification Sherloc (09022015). Collection method: clinical testing. Allele origin: germline.
Comment: This sequence change creates a premature translational stop signal (p.Ser9Argfs*94) in the PAX1 gene. It is expected to result in an absent or disrupted protein product. Loss-of-function variants in PAX1 are known to be pathogenic (PMID: 1889089, 23851939, 28657137, 29681087). This variant is not present in population databases (gnomAD no frequency). This variant has not been reported in the literature in individuals affected with PAX1-related conditions. For these reasons, this variant has been classified as Pathogenic.

Literature cited by the submitters: PubMed 1889089; PubMed 23851939; PubMed 28657137; PubMed 29681087.

NM_001257096.2(PAX1):c.24del (p.Ser9fs)

Gene: PAX1 (paired box 1; plus strand). Cytogenetic location: 20p11.22.
Variant type: Deletion.
Coding change: c.24del on transcript NM_001257096.2 (MANE Select); coding-DNA position 24, one base deleted (G; older notation c.24delG).
Protein change: p.Ser9fs; shifts the reading frame from serine 9.
Molecular consequence: frameshift variant.
Genome position (GRCh38, 1-based): chr20:21,705,736, G deleted; the last of 4 consecutive G bases (chr20:21,705,733-21,705,736); deleting any one gives the same sequence. VCF-style (leftmost placement, unchanged base first): chr20-21705732-TG-T. GRCh37 (hg19) VCF-style: chr20-21686370-TG-T.
Other names: c.24del, p.Ser9fs (NM_006192.5); short protein forms S9fs.
Identifiers: ClinVar variation 2805524 (VCV002805524.3), dbSNP rs2514799008, ClinGen allele CA2652123412.
Genomic context (GRCh38, chr20:21,705,732, plus strand): 5'-CACGCTGCAGCCTCCCGGTCAGACGAATTTCTCCCAATCGGATGAAGTTCACCCTGGGCC[TG>T]GGGTCGCGGGCGTGGAGAGTGTCCTGGGAGGGGGCAGCAGCGGCGGCGGCAGGCCCTGGA-3'